The following is an entry in ClinVar:

ClinVar aggregate classification (germline): Uncertain significance. Review status: criteria provided, single submitter (1 of 4 stars). 2 submissions from 2 submitters: Uncertain significance (1). 1 of the submissions does not count toward it. Last evaluated 2014-01-09.

Conditions:
Autosomal recessive nonsyndromic hearing loss 39. Identifiers: Orphanet 90636, MedGen C1842342, MONDO:0012003, OMIM 608265.

Submissions (3):

Laboratory for Molecular Medicine, Mass General Brigham Personalized Medicine
Classification: Uncertain significance. Last evaluated: 2014-01-09. Review status: criteria provided, single submitter. Criteria: LMM Criteria. Collection method: clinical testing. Allele origin: germline. Observed: 1 variant allele.
Comment: The Arg328Leu variant in HGF has not been previously reported in individuals wit h hearing loss, but has been identified in 0.01% (1/8600) of European American c hromosomes. Although this variant has been s een in the general population, its frequency is not high enough to rule out a pa thogenic role. Computational analyses (biochemical amino acid properties, conser vation, AlignGVGD, PolyPhen2, and SIFT) do not provide strong support for or aga inst pathogenicity. In summary, additional information is needed to determine th e clinical significance of this variant.

Division of Human Genetics, Children's Hospital of Philadelphia
Classification: Uncertain significance for Autosomal recessive nonsyndromic hearing loss 39. Last evaluated: 2015-11-12. Review status: no assertion criteria provided. Collection method: research. Allele origin: germline. Affected: yes. Study: CSER-PediSeq. Not counted in ClinVar's aggregate classification.

Dr. Peter K. Rogan Lab, Western University
No classification provided (evidence only). Condition: Lung cancer. Review status: no classification provided. Collection method: in vitro. Allele origin: not applicable. Functional consequence: retained intron. Not counted in ClinVar's aggregate classification.

NM_000601.6(HGF):c.983G>T (p.Arg328Leu)

Gene: HGF (hepatocyte growth factor; minus strand). Cytogenetic location: 7q21.11.
Variant type: single nucleotide variant.
Coding change: c.983G>T on transcript NM_000601.6 (MANE Select); coding-DNA position 983, G replaced by T.
Protein change: p.Arg328Leu; replaces arginine 328 with leucine.
Molecular consequence: missense variant.
Genome position (GRCh38, 1-based): chr7:81,729,662, C>A on the plus strand (G>T on the coding strand, the complement: HGF is on the minus strand). VCF-style: chr7-81729662-C-A. GRCh37 (hg19) VCF-style: chr7-81358978-C-A.
Other names: c.968G>T, p.Arg323Leu (NM_001010932.3); short protein forms R328L, R323L.
Identifiers: ClinVar variation 163660 (VCV000163660.5), dbSNP rs374484762, ClinGen allele CA176276.
Genomic context (GRCh38, chr7:81,729,662, plus strand): 5'-CACTTGCACTTGAAATTTTCAGGAGTCATGTCATGCTCGTGAGGATACTGAGAATCCCAA[C>A]GCTGACATGGAATTCCATTCCAAATGGTATTGACAGTGCCCCTGTAGCCTTCTCCTTGAC-3'
Protein context (NP_000592.3, residues 318-338): NTIWNGIPCQ[Arg328Leu]WDSQYPHEHD